The following is an entry in ClinVar:

NM_024675.4(PALB2):c.2767del (p.Val923fs)

Gene: PALB2 (partner and localizer of BRCA2; minus strand). Cytogenetic location: 16p12.2.
Variant type: Deletion.
Coding change: c.2767del on transcript NM_024675.4 (MANE Select); coding-DNA position 2767, one base deleted (G; older notation c.2767delG).
Protein change: p.Val923fs; shifts the reading frame from valine 923.
Molecular consequence: frameshift variant.
Genome position (GRCh38, 1-based): chr16:23,624,076, C deleted on the plus strand (G on the coding strand, the reverse complement: PALB2 is on the minus strand). VCF-style (leftmost placement, unchanged base first): chr16-23624075-AC-A. GRCh37 (hg19) VCF-style: chr16-23635396-AC-A.
Other names: c.2707delG, p.Val903Phefs (NM_001407296.1); c.2695delG, p.Val899Phefs (NM_001407297.1); c.2605delG, p.Val869Phefs (NM_001407298.1, NM_001407302.1); c.2767delG, p.Val923Phefs (NM_001407299.1, NM_001407300.1, NM_001407301.1); c.1882delG, p.Val628Phefs (NM_001407304.1, NM_001407305.1, NM_001407306.1 and 4 more transcripts); c.1720delG, p.Val574Phefs (NM_001407307.1); c.979delG, p.Val327Phefs (NM_001407312.1, NM_001407313.1); c.301delG, p.Val101Phefs (NM_001407314.1); short protein forms V923fs.
Identifiers: ClinVar variation 2431315 (VCV002431315.1), dbSNP rs2506351360, ClinGen allele CA2580091260.
Genomic context (GRCh38, chr16:23,624,075, plus strand): 5'-TCTCTGATTTCCAAATTTCCCAAAGCTACACACACGAGATTATACACATCAGGCACTGGA[AC>A]TATCTGTAATACTGGAACCTAAATAAAACAAAGCAGCCAAAAATTATGCTTGGTTGTTTC-3'

ClinVar aggregate classification (germline): Pathogenic (1 of 4 stars; one submission).

Conditions:
Familial cancer of breast. Also called: Hereditary breast cancer; BREAST CANCER, FAMILIAL; hereditary breast carcinoma. Identifiers: Orphanet 227535, MedGen C0346153, MONDO:0016419, OMIM 114480. Disease mechanism: loss of function.

Submission:

Myriad Genetics, Inc.
Classification: Pathogenic for Familial cancer of breast. Last evaluated: 2023-01-19. Review status: criteria provided, single submitter. Criteria: Myriad Autosomal Dominant, Autosomal Recessive and X-Linked Classification Criteria (2023). Collection method: clinical testing. Allele origin: unknown.
Comment: This variant is considered pathogenic. This variant creates a frameshift predicted to result in premature protein truncation.